The following is an entry in ClinVar:

NM_000092.5(COL4A4):c.1946A>G (p.His649Arg)

Gene: COL4A4 (collagen type IV alpha 4 chain; minus strand). Cytogenetic location: 2q36.3.
Variant type: single nucleotide variant.
Coding change: c.1946A>G on transcript NM_000092.5 (MANE Select); coding-DNA position 1946, A replaced by G.
Protein change: p.His649Arg; replaces histidine 649 with arginine.
Molecular consequence: missense variant.
Genome position (GRCh38, 1-based): chr2:227,077,935, T>C on the plus strand (A>G on the coding strand, the complement: COL4A4 is on the minus strand). VCF-style: chr2-227077935-T-C. GRCh37 (hg19) VCF-style: chr2-227942651-T-C.
Other names: short protein forms H649R.
Identifiers: ClinVar variation 3767678 (VCV003767678.1).
Genomic context (GRCh38, chr2:227,077,935, plus strand): 5'-AAAATTTTTTTAAAATTACCTTTCTGACCCTTCAAGCCATCAGGGCCCCTCACACCTGGG[T>C]GGCCTGGAACTCCTGGGTGGCCTCGCTCTCCTGGTGGACCAGGAAATCCCAGTCCTGGGG-3'
Protein context (NP_000083.3, residues 639-659): GERGHPGVPG[His649Arg]PGVRGPDGLK

ClinVar aggregate classification (germline): Uncertain significance (1 of 4 stars; one submission).

Submission:

GeneDx
Classification: Uncertain significance. Last evaluated: 2024-09-10. Review status: criteria provided, single submitter. Criteria: GeneDx Variant Classification Process June 2021. Collection method: clinical testing. Allele origin: germline. Affected: yes.
Comment: Not observed at significant frequency in large population cohorts (gnomAD); In silico analysis indicates that this missense variant does not alter protein structure/function; Occurs in the triple helical domain at the X position in the canonical Gly-X-Y repeat; although this variant may have an effect on normal protein folding and function, missense substitution at the X position is not a common mechanism of disease; Has not been previously published as pathogenic or benign to our knowledge